The following is an entry in ClinVar:

ClinVar aggregate classification (germline): Pathogenic (1 of 4 stars; one submission).

Conditions:
Neurofibromatosis, type 1 (NF1). Also called: Peripheral type neurofibromatosis; VON RECKLINGHAUSEN DISEASE; NEUROFIBROMATOSIS, TYPE I, SOMATIC; Neurofibromatosis, type I. Identifiers: Orphanet 636, MedGen C0027831, MONDO:0018975, OMIM 162200. Disease mechanism: loss of function.

Submission:

Labcorp Genetics (formerly Invitae), Labcorp
Classification: Pathogenic for Neurofibromatosis, type 1. Last evaluated: 2022-04-15. Review status: criteria provided, single submitter. Criteria: Invitae Variant Classification Sherloc (09022015). Collection method: clinical testing. Allele origin: germline.
Comment: This variant is not present in population databases (gnomAD no frequency). This sequence change creates a premature translational stop signal (p.Leu2280*) in the NF1 gene. It is expected to result in an absent or disrupted protein product. Loss-of-function variants in NF1 are known to be pathogenic (PMID: 10712197, 23913538). This premature translational stop signal has been observed in individual(s) with neurofibromatosis type I (PMID: 11857752). For these reasons, this variant has been classified as Pathogenic.

Literature cited by the submitters: PubMed 10712197; PubMed 23913538; PubMed 11857752.

NM_001042492.3(NF1):c.6902T>A (p.Leu2301Ter)

Gene: NF1 (neurofibromin 1; plus strand). Cytogenetic location: 17q11.2.
Variant type: single nucleotide variant.
Coding change: c.6902T>A on transcript NM_001042492.3 (MANE Select); coding-DNA position 6902, T replaced by A.
Protein change: p.Leu2301Ter; replaces leucine 2301 with a stop codon.
Molecular consequence: nonsense.
Genome position (GRCh38, 1-based): chr17:31,338,786, T>A. VCF-style: chr17-31338786-T-A. GRCh37 (hg19) VCF-style: chr17-29665804-T-A.
Other names: c.6839T>A, p.Leu2280Ter (NM_000267.4); short protein forms L2280*, L2301*.
Identifiers: ClinVar variation 2137999 (VCV002137999.4), dbSNP rs2069745354, ClinGen allele CA399014415.